The following is an entry in ClinVar:

NM_000419.5(ITGA2B):c.904G>A (p.Asp302Asn)

Gene: ITGA2B (integrin subunit alpha 2b; minus strand). Cytogenetic location: 17q21.31.
Variant type: single nucleotide variant.
Coding change: c.904G>A on transcript NM_000419.5 (MANE Select); coding-DNA position 904, G replaced by A.
Protein change: p.Asp302Asn; replaces aspartic acid 302 with asparagine.
Molecular consequence: missense variant.
Genome position (GRCh38, 1-based): chr17:44,384,126, C>T on the plus strand (G>A on the coding strand, the complement: ITGA2B is on the minus strand). VCF-style: chr17-44384126-C-T. GRCh37 (hg19) VCF-style: chr17-42461494-C-T.
Other names: short protein forms D302N.
Identifiers: ClinVar variation 4977476 (VCV004977476.1).

ClinVar aggregate classification (germline): Uncertain significance (1 of 4 stars; one submission).

Conditions:
ITGA2B-related disorder. Also called: ITGA2B-related condition; ITGA2B-related disorders.

gnomAD v4.1: 2 of 1,613,700 alleles (0.00012%); highest among the groups gnomAD compares: East Asian, 0.0045%; no homozygotes.

Submission:

PreventionGenetics, part of Exact Sciences
Classification: Uncertain significance for ITGA2B-related condition. Last evaluated: 2025-07-03. Review status: criteria provided, single submitter. Criteria: ACMG Guidelines, 2015. Collection method: clinical testing. Allele origin: germline.
Comment: The ITGA2B c.904G>A variant is predicted to result in the amino acid substitution p.Asp302Asn. To our knowledge, this variant has not been reported in the literature. This variant is reported in 0.0054% of alleles in individuals of East Asian descent in gnomAD. At this time, the clinical significance of this variant is uncertain due to the absence of conclusive functional and genetic evidence.